The following is an entry in ClinVar:

ClinVar aggregate classification (germline): Conflicting classifications of pathogenicity. Review status: criteria provided, conflicting classifications (1 of 4 stars). 6 submissions from 6 submitters: Uncertain significance (2); Likely benign (4). Last evaluated 2025-12-22.

Conditions:
Myofibrillar myopathy 5. Also called: Filaminopathy (type); FILAMINOPATHY, AUTOSOMAL DOMINANT. Identifiers: Orphanet 171445, MedGen C1836050, MONDO:0012289, OMIM 609524.
Hypertrophic cardiomyopathy 26. Also called: Cardiomyopathy, familial hypertrophic, 26. Identifiers: Orphanet 75249, MedGen C4310749, MONDO:0014883, OMIM 617047.
Distal myopathy with posterior leg and anterior hand involvement. Also called: WILLIAMS DISTAL MYOPATHY. Identifiers: Orphanet 63273, MedGen C3279722, MONDO:0013550, OMIM 614065.
Cardiovascular phenotype. Identifiers: MedGen CN230736.
Cardiomyopathy (CMYO). Also called: Cardiomyopathies. Identifiers: Orphanet 167848, MedGen C0878544, MONDO:0004994, HP:0001638. Inheritance: Various modes of inheritance.

Allele frequency attached by ClinVar (database versions not stated): gnomAD 0.00004 and 0.00007; TOPMed 0.00004; ESP Exome Variant Server 0.00008; gnomAD exomes 0.00011 and 0.00017; 1000 Genomes Project 0.00020; ExAC 0.00022; 1000 Genomes Project 30x 0.00031.
gnomAD v4.1: 163 of 1,612,104 alleles (0.01%); highest among the groups gnomAD compares: South Asian, 0.12%; 1 homozygote.

Submissions (6):

Labcorp Genetics (formerly Invitae), Labcorp
Classification: Likely benign for Distal myopathy with posterior leg and anterior hand involvement; Myofibrillar myopathy 5; Hypertrophic cardiomyopathy 26. Last evaluated: 2025-12-22. Review status: criteria provided, single submitter. Criteria: Invitae Variant Classification Sherloc (09022015). Collection method: clinical testing. Allele origin: germline.

CHEO Genetics Diagnostic Laboratory, Children's Hospital of Eastern Ontario
Classification: Likely benign for Cardiomyopathy. Last evaluated: 2023-04-03. Review status: criteria provided, single submitter. Criteria: ACMG Guidelines, 2015. Collection method: clinical testing. Allele origin: germline.

Revvity Omics, Revvity
Classification: Uncertain significance. Last evaluated: 2020-09-15. Review status: criteria provided, single submitter. Criteria: ACMG Guidelines, 2015. Collection method: clinical testing. Allele origin: germline.

GeneDx
Classification: Likely benign. Last evaluated: 2019-10-28. Review status: criteria provided, single submitter. Criteria: GeneDx Variant Classification Process June 2021. Collection method: clinical testing. Allele origin: germline. Affected: yes.
Comment: This variant is associated with the following publications: (PMID: 22806379)

Ambry Genetics
Classification: Likely benign for Cardiovascular phenotype. Last evaluated: 2019-06-06. Review status: criteria provided, single submitter. Criteria: Ambry Variant Classification Scheme 2023. Collection method: clinical testing. Allele origin: germline.

Centre for Mendelian Genomics, University Medical Centre Ljubljana
Classification: Uncertain significance for Hypertrophic cardiomyopathy 26. Last evaluated: 2019-05-16. Review status: criteria provided, single submitter. Criteria: ACMG Guidelines, 2015. Collection method: clinical testing. Allele origin: unknown. Affected: yes.
Comment: This variant was classified as: Uncertain significance. The available evidence on this variant's pathogenicity is insufficient or conflicting. The following ACMG criteria were applied in classifying this variant: No criteria apply.

NM_001458.5(FLNC):c.7256C>T (p.Thr2419Met)

Genes: FLNC (filamin C; plus strand), FLNC-AS1 (FLNC antisense RNA 1; minus strand). Cytogenetic location: 7q32.1.
Variant type: single nucleotide variant.
Coding change: c.7256C>T on transcript NM_001458.5 (MANE Select); coding-DNA position 7256, C replaced by T.
Protein change: p.Thr2419Met; replaces threonine 2419 with methionine.
Molecular consequence: missense variant.
Genome position (GRCh38, 1-based): chr7:128,856,522, C>T. VCF-style: chr7-128856522-C-T. GRCh37 (hg19) VCF-style: chr7-128496576-C-T.
Other names: c.7157C>T, p.Thr2386Met (NM_001127487.2); short protein forms T2386M, T2419M.
Identifiers: ClinVar variation 712192 (VCV000712192.20), dbSNP rs199768217, ClinGen allele CA4476217.
Genomic context (GRCh38, chr7:128,856,522, plus strand): 5'-AGACTGCTCCAGCCCCGGCCTCCCAGGAGTCTGAGCATCCTCCGTGGCCTTTGCAGGAGA[C>T]GGGGCTCAAGGTGAACCAGCCAGCGTCCTTTGCCGTGCAGCTGAACGGTGCCCGGGGCGT-3'
Protein context (NP_001449.3, residues 2409-2429): RRLTVTSLQE[Thr2419Met]GLKVNQPASF